The following is an entry in ClinVar:

ClinVar aggregate classification (germline): Uncertain significance. Review status: criteria provided, multiple submitters, no conflicts (2 of 4 stars). 2 submissions from 2 submitters: Uncertain significance (2). Last evaluated 2025-08-30.

Allele frequency attached by ClinVar (database versions not stated): gnomAD 0.00003; TOPMed 0.00004.

Submissions (2):

Ambry Genetics
Classification: Uncertain significance. Last evaluated: 2025-08-30. Review status: criteria provided, single submitter. Criteria: Ambry Variant Classification Scheme 2023. Collection method: clinical testing. Allele origin: germline.

Labcorp Genetics (formerly Invitae), Labcorp
Classification: Uncertain significance. Last evaluated: 2023-09-27. Review status: criteria provided, single submitter. Criteria: Invitae Variant Classification Sherloc (09022015). Collection method: clinical testing. Allele origin: germline.
Comment: This sequence change replaces arginine, which is basic and polar, with tryptophan, which is neutral and slightly polar, at codon 328 of the NFS1 protein (p.Arg328Trp). This variant is present in population databases (rs779420232, gnomAD 0.05%). This variant has not been reported in the literature in individuals affected with NFS1-related conditions. ClinVar contains an entry for this variant (Variation ID: 2187271). An algorithm developed to predict the effect of missense changes on protein structure and function (PolyPhen-2) suggests that this variant is likely to be disruptive. In summary, the available evidence is currently insufficient to determine the role of this variant in disease. Therefore, it has been classified as a Variant of Uncertain Significance.

NM_021100.5(NFS1):c.982C>T (p.Arg328Trp)

Gene: NFS1 (NFS1 cysteine desulfurase; minus strand). Cytogenetic location: 20q11.22.
Variant type: single nucleotide variant.
Coding change: c.982C>T on transcript NM_021100.5 (MANE Select); coding-DNA position 982, C replaced by T.
Protein change: p.Arg328Trp; replaces arginine 328 with tryptophan.
Molecular consequence: missense variant. On other transcripts: non-coding transcript variant (1).
Genome position (GRCh38, 1-based): chr20:35,674,584, G>A on the plus strand (C>T on the coding strand, the complement: NFS1 is on the minus strand). VCF-style: chr20-35674584-G-A. GRCh37 (hg19) VCF-style: chr20-34262506-G-A.
Other names: c.982C>T (NM_021100.4); c.829C>T, p.Arg277Trp (NM_001198989.2); short protein forms R277W, R328W.
Identifiers: ClinVar variation 2187271 (VCV002187271.4), dbSNP rs779420232, ClinGen allele CA9837089.